The following is an entry in ClinVar:

ClinVar aggregate classification (germline): Uncertain significance. Review status: criteria provided, multiple submitters, no conflicts (2 of 4 stars). 2 submissions from 2 submitters: Uncertain significance (2). Last evaluated 2024-10-20.

Conditions:
Emery-Dreifuss muscular dystrophy 5, autosomal dominant (EDMD5). Also called: EMERY-DREIFUSS MUSCULAR DYSTROPHY 5. Identifiers: Orphanet 261, MedGen C2751805, MONDO:0013072, OMIM 612999.

Allele frequency attached by ClinVar (database versions not stated): gnomAD exomes below 0.00001; TOPMed below 0.00001.
gnomAD v4.1: 5 of 1,606,672 alleles (0.00031%); highest among the groups gnomAD compares: Non-Finnish European, 0.00042%; no homozygotes.

Submissions (2):

Ambry Genetics
Classification: Uncertain significance. Last evaluated: 2024-10-20. Review status: criteria provided, single submitter. Criteria: Ambry Variant Classification Scheme 2023. Collection method: clinical testing. Allele origin: germline.

Labcorp Genetics (formerly Invitae), Labcorp
Classification: Uncertain significance for Emery-Dreifuss muscular dystrophy 5, autosomal dominant. Last evaluated: 2023-02-20. Review status: criteria provided, single submitter. Criteria: Invitae Variant Classification Sherloc (09022015). Collection method: clinical testing. Allele origin: germline.
Comment: An algorithm developed to predict the effect of missense changes on protein structure and function (PolyPhen-2) suggests that this variant is likely to be tolerated. This variant has not been reported in the literature in individuals affected with SYNE2-related conditions. This variant is present in population databases (no rsID available, gnomAD 0.0009%). This sequence change replaces isoleucine, which is neutral and non-polar, with valine, which is neutral and non-polar, at codon 967 of the SYNE2 protein (p.Ile967Val). In summary, the available evidence is currently insufficient to determine the role of this variant in disease. Therefore, it has been classified as a Variant of Uncertain Significance.

NM_182914.3(SYNE2):c.2899A>G (p.Ile967Val)

Gene: SYNE2 (spectrin repeat containing nuclear envelope protein 2; plus strand). Cytogenetic location: 14q23.2.
Variant type: single nucleotide variant.
Coding change: c.2899A>G on transcript NM_182914.3 (MANE Select); coding-DNA position 2899, A replaced by G.
Protein change: p.Ile967Val; replaces isoleucine 967 with valine.
Molecular consequence: missense variant.
Genome position (GRCh38, 1-based): chr14:63,995,161, A>G. VCF-style: chr14-63995161-A-G. GRCh37 (hg19) VCF-style: chr14-64461879-A-G.
Other names: c.2899A>G, p.Ile967Val (NM_015180.6); c.2899A>G (NM_182914.2); short protein forms I967V.
Identifiers: ClinVar variation 2729732 (VCV002729732.4), dbSNP rs1356157007, ClinGen allele CA389984598.